The following is an entry in ClinVar:

NM_004370.6(COL12A1):c.4744A>C (p.Met1582Leu)

Gene: COL12A1 (collagen type XII alpha 1 chain; minus strand). Cytogenetic location: 6q13.
Variant type: single nucleotide variant.
Coding change: c.4744A>C on transcript NM_004370.6 (MANE Select); coding-DNA position 4744, A replaced by C.
Protein change: p.Met1582Leu; replaces methionine 1582 with leucine.
Molecular consequence: missense variant.
Genome position (GRCh38, 1-based): chr6:75,143,335, T>G on the plus strand (A>C on the coding strand, the complement: COL12A1 is on the minus strand). VCF-style: chr6-75143335-T-G. GRCh37 (hg19) VCF-style: chr6-75853051-T-G.
Other names: p.Met1582Leu; c.1252A>C, p.Met418Leu (NM_080645.3); short protein forms M1582L, M418L.
Identifiers: ClinVar variation 542494 (VCV000542494.28), dbSNP rs200520924, ClinGen allele CA3893356.

ClinVar aggregate classification (germline): Conflicting classifications of pathogenicity. Review status: criteria provided, conflicting classifications (1 of 4 stars). 7 submissions from 7 submitters: Uncertain significance (5); Benign (1); Likely benign (1). Last evaluated 2026-10-06.

Conditions:
COL12A1-related disorder. Also called: COL12A1-related condition.
Ullrich congenital muscular dystrophy 2 (UCMD2). Identifiers: Orphanet 75840, MedGen C4225314, MONDO:0014654, OMIM 616470.
Bethlem myopathy 2 (BTHLM2). Identifiers: Orphanet 536516, Orphanet 610, MedGen C4225313, MONDO:0034022, OMIM 616471.

Allele frequency attached by ClinVar (database versions not stated): TOPMed 0.00041; ExAC 0.00075; gnomAD 0.00045; ESP Exome Variant Server 0.00042; gnomAD exomes 0.00059 and 0.00072.

Submissions (7):

GeneDx
Classification: Uncertain significance. Last evaluated: 2026-10-06. Review status: criteria provided, single submitter. Criteria: GeneDx Variant Classification Process June 2021. Collection method: clinical testing. Allele origin: germline.
Comment: In silico analysis suggests that this missense variant does not alter protein structure/function; Has not been previously published as pathogenic or benign to our knowledge

Women's Health and Genetics/Laboratory Corporation of America, LabCorp
Classification: Uncertain significance. Last evaluated: 2026-03-16. Review status: criteria provided, single submitter. Criteria: LabCorp Variant Classification Summary - May 2015. Collection method: clinical testing. Allele origin: germline.
Comment: Variant summary: COL12A1 c.4744A>C (p.Met1582Leu) results in a conservative amino acid change located in the Fibronectin type-III domain (IPR003961) of the encoded protein sequence. Algorithms developed to predict the effect of missense changes on protein structure and function are either unavailable or do not agree on the potential impact of this missense change. The variant allele was found at a frequency of 0.00067 in 1613882 control chromosomes in the gnomAD database, including 1 homozygote. This frequency is not significantly higher than estimated for disease-causing variants in COL12A1, allowing no conclusion about variant significance. To our knowledge, no occurrence of c.4744A>C in individuals affected with COL12A1-related conditions and no experimental evidence demonstrating its impact on protein function have been reported. ClinVar contains an entry for this variant (Variation ID: 542494). Based on the evidence outlined above, the variant was classified as VUS-possibly benign.

Labcorp Genetics (formerly Invitae), Labcorp
Classification: Benign for Bethlem myopathy 2; Ullrich congenital muscular dystrophy 2. Last evaluated: 2026-01-21. Review status: criteria provided, single submitter. Criteria: Invitae Variant Classification Sherloc (09022015). Collection method: clinical testing. Allele origin: germline.

PreventionGenetics, part of Exact Sciences
Classification: Uncertain significance for COL12A1-related condition. Last evaluated: 2025-12-22. Review status: criteria provided, single submitter. Criteria: ACMG Guidelines, 2015. Collection method: clinical testing. Allele origin: germline.
Comment: The COL12A1 c.4744A>C variant is predicted to result in the amino acid substitution p.Met1582Leu. To our knowledge, this variant has not been reported in the literature. This variant is reported in 0.11% of alleles in individuals of European (Non-Finnish) descent in gnomAD. Although we suspect that this variant may be benign, at this time, the clinical significance of this variant is uncertain due to the absence of conclusive functional and genetic evidence.

Mayo Clinic Laboratories, Mayo Clinic
Classification: Likely benign. Last evaluated: 2025-11-20. Review status: criteria provided, single submitter. Criteria: ACMG Guidelines, 2015. Collection method: clinical testing. Allele origin: germline. Observed: 4 variant alleles.
Comment: BS1, BP4

Blueprint Genetics
Classification: Uncertain significance. Last evaluated: 2024-11-01. Review status: criteria provided, single submitter. Criteria: ACMG Guidelines, 2015. Collection method: clinical testing. Allele origin: germline.

Fulgent Genetics
Classification: Uncertain significance for Ullrich congenital muscular dystrophy 2; Bethlem myopathy 2. Last evaluated: 2021-12-09. Review status: criteria provided, single submitter. Criteria: ACMG Guidelines, 2015. Collection method: clinical testing. Allele origin: unknown.